The following is an entry in ClinVar:

ClinVar aggregate classification (germline): Uncertain significance (1 of 4 stars; one submission).

Allele frequency attached by ClinVar (database versions not stated): ExAC 0.00002; gnomAD exomes 0.00003; gnomAD 0.00004; TOPMed 0.00006; ESP Exome Variant Server 0.00015.
gnomAD v4.1: 43 of 1,613,902 alleles (0.0027%); highest among the groups gnomAD compares: Admixed American, 0.005%; no homozygotes.

Submission:

Labcorp Genetics (formerly Invitae), Labcorp
Classification: Uncertain significance. Last evaluated: 2025-09-02. Review status: criteria provided, single submitter. Criteria: Invitae Variant Classification Sherloc (09022015). Collection method: clinical testing. Allele origin: germline.
Comment: This sequence change replaces arginine, which is basic and polar, with glutamine, which is neutral and polar, at codon 174 of the OPN1SW protein (p.Arg174Gln). This variant also falls at the last nucleotide of exon 2, which is part of the consensus splice site for this exon. This variant is present in population databases (rs141288412, gnomAD 0.009%). This variant has not been reported in the literature in individuals affected with OPN1SW-related conditions. ClinVar contains an entry for this variant (Variation ID: 1038633). An algorithm developed to predict the effect of missense changes on protein structure and function (PolyPhen-2) suggests that this variant is likely to be disruptive. Variants that disrupt the consensus splice site are a relatively common cause of aberrant splicing (PMID: 17576681, 9536098). Algorithms developed to predict the effect of sequence changes on RNA splicing suggest that this variant may disrupt the consensus splice site. In summary, the available evidence is currently insufficient to determine the role of this variant in disease. Therefore, it has been classified as a Variant of Uncertain Significance.

Literature cited by the submitters: PubMed 17576681; PubMed 9536098.

NM_001385125.1(OPN1SW):c.512G>A (p.Arg171Gln)

Gene: OPN1SW (opsin 1, short wave sensitive; minus strand). Cytogenetic location: 7q32.1.
Variant type: single nucleotide variant.
Coding change: c.512G>A on transcript NM_001385125.1 (MANE Select); coding-DNA position 512, G replaced by A.
Protein change: p.Arg171Gln; replaces arginine 171 with glutamine.
Molecular consequence: missense variant.
Genome position (GRCh38, 1-based): chr7:128,774,986, C>T on the plus strand (G>A on the coding strand, the complement: OPN1SW is on the minus strand). VCF-style: chr7-128774986-C-T. GRCh37 (hg19) VCF-style: chr7-128415040-C-T.
Other names: short protein forms R171Q.
Identifiers: ClinVar variation 1038633 (VCV001038633.6), dbSNP rs141288412, ClinGen allele CA4472922.